The following is an entry in ClinVar:

NM_033305.3(VPS13A):c.4115-2A>C

Gene: VPS13A (vacuolar protein sorting 13 homolog A; plus strand). Cytogenetic location: 9q21.2.
Variant type: single nucleotide variant.
Coding change: c.4115-2A>C on transcript NM_033305.3 (MANE Select); the canonical splice acceptor site of the intron before coding-DNA position 4115, A replaced by C.
Molecular consequence: splice acceptor variant.
Genome position (GRCh38, 1-based): chr9:77,313,990, A>C. VCF-style: chr9-77313990-A-C. GRCh37 (hg19) VCF-style: chr9-79928906-A-C.
Other names: c.3998-2A>C (NM_001018037.2); c.4115-2A>C (NM_015186.4, NM_001018038.3).
Identifiers: ClinVar variation 2796302 (VCV002796302.3), dbSNP rs2537977076, ClinGen allele CA373854109.

ClinVar aggregate classification (germline): Likely pathogenic (1 of 4 stars; one submission).

Submission:

Labcorp Genetics (formerly Invitae), Labcorp
Classification: Likely pathogenic. Last evaluated: 2023-08-14. Review status: criteria provided, single submitter. Criteria: Invitae Variant Classification Sherloc (09022015). Collection method: clinical testing. Allele origin: germline.
Comment: In summary, the currently available evidence indicates that the variant is pathogenic, but additional data are needed to prove that conclusively. Therefore, this variant has been classified as Likely Pathogenic. This sequence change affects an acceptor splice site in intron 35 of the VPS13A gene. It is expected to disrupt RNA splicing. Variants that disrupt the donor or acceptor splice site typically lead to a loss of protein function (PMID: 16199547), and loss-of-function variants in VPS13A are known to be pathogenic (PMID: 12404112, 21598378). This variant is not present in population databases (gnomAD no frequency). This variant has not been reported in the literature in individuals affected with VPS13A-related conditions. Algorithms developed to predict the effect of sequence changes on RNA splicing suggest that this variant may disrupt the consensus splice site.

Literature cited by the submitters: PubMed 16199547; PubMed 12404112; PubMed 21598378.